The following is an entry in ClinVar:

NM_000302.4(PLOD1):c.1631_1632delinsGC (p.Ala544Gly)

Gene: PLOD1 (procollagen-lysine,2-oxoglutarate 5-dioxygenase 1; plus strand). Cytogenetic location: 1p36.22.
Variant type: Indel.
Coding change: c.1631_1632delinsGC on transcript NM_000302.4 (MANE Select); coding-DNA positions 1631 to 1632, CA replaced by GC.
Protein change: p.Ala544Gly; replaces alanine 544 with glycine.
Molecular consequence: missense variant.
Genome position (GRCh38, 1-based): chr1:11,966,297-11,966,298, CA replaced by GC. VCF-style: chr1-11966297-CA-GC. GRCh37 (hg19) VCF-style: chr1-12026354-CA-GC.
Other names: c.1772_1773delinsGC, p.Ala591Gly (NM_001316320.2); short protein forms A591G, A544G.
Identifiers: ClinVar variation 1776831 (VCV001776831.2), dbSNP rs2522858931, ClinGen allele CA2580060993.

ClinVar aggregate classification (germline): Uncertain significance (1 of 4 stars; one submission).

Conditions:
Familial thoracic aortic aneurysm and aortic dissection (TAAD). Also called: Thoracic aortic aneurysms and dissections. Identifiers: Orphanet 91387, MedGen C4707243, MONDO:0019625.

Submission:

Ambry Genetics
Classification: Uncertain significance for Familial thoracic aortic aneurysm and aortic dissection. Last evaluated: 2019-11-21. Review status: criteria provided, single submitter. Criteria: Ambry Variant Classification Scheme 2023. Collection method: clinical testing. Allele origin: germline.
Comment: The c.1631_1632delCAinsGC variant (also known as p.A544G), located in coding exon 15 of the PLOD1 gene, results from an in-frame deletion of CA and insertion of GC at nucleotide positions 1631 to 1632. This results in the substitution of the alanine residue for a glycine residue at codon 544, an amino acid with similar properties. This amino acid position is poorly conserved in available vertebrate species. In addition, this alteration is predicted to be neutral by in silico analysis (Choi Y et al. PLoS ONE. 2012; 7(10):e46688). Since supporting evidence is limited at this time, the clinical significance of this alteration remains unclear.